The following is an entry in ClinVar:

NM_001953.5(TYMP):c.1160-1G>A

Genes: SCO2 (synthesis of cytochrome C oxidase 2; minus strand), TYMP (thymidine phosphorylase; minus strand), LOC130067862 (ATAC-STARR-seq lymphoblastoid silent region 13986; plus strand). Cytogenetic location: 22q13.33.
Variant type: single nucleotide variant.
Coding change: c.1160-1G>A on transcript NM_001953.5 (MANE Select); the canonical splice acceptor site of the intron before coding-DNA position 1160, G replaced by A.
Molecular consequence: splice acceptor variant. On other transcripts: missense variant (1), 5 prime UTR variant (1), intron variant (1).
Genome position (GRCh38, 1-based): chr22:50,526,142, C>T on the plus strand (G>A on the coding strand, the complement: TYMP is on the minus strand). VCF-style: chr22-50526142-C-T. GRCh37 (hg19) VCF-style: chr22-50964571-C-T.
Other names: c.1174G>A, p.Gly392Ser (NM_001257989.1); c.-155G>A (NM_001169110.1); c.-14+104G>A (NM_001169109.2); c.1160-1G>A (NM_001257988.1, NM_001113755.3, NM_001113756.3); short protein forms G392S.
Identifiers: ClinVar variation 223064 (VCV000223064.59), dbSNP rs797044455, ClinGen allele CA16616801.

ClinVar aggregate classification (germline): Pathogenic. Review status: criteria provided, multiple submitters, no conflicts (2 of 4 stars). 11 submissions from 11 submitters: Pathogenic (9). 2 of the submissions do not count toward it. Last evaluated 2026-01-13.

Conditions:
TYMP-related disorder. Also called: TYMP-related condition.
Mitochondrial neurogastrointestinal encephalomyopathy. Also called: Mitochondrial neurogastrointestinal encephalopathy syndrome; MNGIE syndrome; Thymidine phosphorylase deficiency. Identifiers: Orphanet 298, MedGen C0872218, MONDO:0017575.
Mitochondrial DNA depletion syndrome 1. Also called: Mitochondrial neurogastrointestinal encephalomyopathy syndrome; POLIP SYNDROME; POLYNEUROPATHY, OPHTHALMOPLEGIA, LEUKOENCEPHALOPATHY, AND INTESTINAL PSEUDOOBSTRUCTION; Mitochondrial DNA Depletion Syndrome, MNGIE Form; Mitochondrial Neurogastrointestinal Encephalopathy Disease; MITOCHONDRIAL NEUROGASTROINTESTINAL ENCEPHALOPATHY SYNDROME, TYMP-RELATED. Identifiers: Orphanet 298, MedGen C4551995, MONDO:0011283, OMIM 603041.

Allele frequency attached by ClinVar (database versions not stated): TOPMed 0.00002; gnomAD 0.00004 and 0.00003; gnomAD exomes 0.00001.
gnomAD v4.1: 23 of 1,485,144 alleles (0.0015%); highest among the groups gnomAD compares: Non-Finnish European, 0.002%; no homozygotes.

Submissions (11):

Labcorp Genetics (formerly Invitae), Labcorp
Classification: Pathogenic. Last evaluated: 2026-01-13. Review status: criteria provided, single submitter. Criteria: Invitae Variant Classification Sherloc (09022015). Collection method: clinical testing. Allele origin: germline.
Comment: This sequence change affects an acceptor splice site in intron 8 of the TYMP gene. It is expected to disrupt RNA splicing. Variants that disrupt the donor or acceptor splice site typically lead to a loss of protein function (PMID: 16199547), and loss-of-function variants in TYMP are known to be pathogenic (PMID: 9924029, 15781193). This variant is present in population databases (no rsID available, gnomAD 0.002%). Disruption of this splice site has been observed in individuals with mitochondrial DNA depletion syndrome (PMID: 10852545, 12529715). This variant is also known as G3867C, G5314A. ClinVar contains an entry for this variant (Variation ID: 223064). Algorithms developed to predict the effect of sequence changes on RNA splicing suggest that this variant may disrupt the consensus splice site. For these reasons, this variant has been classified as Pathogenic.

First Genomix Gene Laboratory, Genetic Diagnostics Department
Classification: Pathogenic for Mitochondrial DNA depletion syndrome 1. Last evaluated: 2025-05-05. Review status: criteria provided, single submitter. Criteria: ACMG Guidelines, 2015. Collection method: clinical testing. Allele origin: germline. Inheritance: Autosomal recessive inheritance. Affected: no. Observed: 1 variant allele.

Natera, Inc.
Classification: Pathogenic for Mitochondrial neurogastrointestinal encephalomyopathy. Last evaluated: 2025-01-06. Review status: criteria provided, single submitter. Criteria: Natera Variant Classification Schema (03/2026). Collection method: clinical testing. Allele origin: germline.
Comment: The c.1160-1G>A variant in TYMP is a canonical splice acceptor site variant predicted to affect pre-mRNA splicing, which may result in an abnormal transcript and altered protein product. This variant is expected to result in nonsense mediated decay, truncation, or a dysfunctional protein product. This variant is rare in the general population with a frequency below the threshold expected for the associated phenotype(s). This variant has been observed in one or more individuals affected with the associated recessive disease, as either homozygous or compound heterozygous with a second variant (PMID: 21503690, 30582904, 12529715). Additionally, this variant has been observed to segregate in affected family members (PMID: 21503690). Functional studies show that this variant may disrupt protein function (PMID: 10852545). Given the available evidence, this variant is classified as Pathogenic.

Fulgent Genetics
Classification: Pathogenic for Mitochondrial DNA depletion syndrome 1. Last evaluated: 2024-06-24. Review status: criteria provided, single submitter. Criteria: ACMG Guidelines, 2015. Collection method: clinical testing. Allele origin: germline.

Blueprint Genetics
Classification: Pathogenic for TYMP-related disorders. Last evaluated: 2022-11-02. Review status: criteria provided, single submitter. Criteria: ACMG Guidelines, 2015. Collection method: clinical testing. Allele origin: germline. Affected: yes. Observed: 1 variant allele.

CeGaT Center for Human Genetics Tuebingen
Classification: Pathogenic. Last evaluated: 2020-10-01. Review status: criteria provided, single submitter. Criteria: CeGaT Center For Human Genetics Tuebingen Variant Classification Criteria Version 2. Collection method: clinical testing. Allele origin: germline. Affected: yes. Observed: 1 variant allele.

Department of Pathophysiology and Transplantation, University of Milan
Classification: Pathogenic for Mitochondrial DNA depletion syndrome 1. Last evaluated: 2020-07-04. Review status: criteria provided, single submitter. Criteria: ACMG Guidelines, 2015. Collection method: clinical testing. Allele origin: germline. Affected: yes.

Centre for Mendelian Genomics, University Medical Centre Ljubljana
Classification: Pathogenic for Mitochondrial DNA depletion syndrome 1. Last evaluated: 2019-05-07. Review status: criteria provided, single submitter. Criteria: ACMG Guidelines, 2015. Collection method: clinical testing. Allele origin: unknown. Affected: yes.
Comment: This variant was classified as: Pathogenic. The following ACMG criteria were applied in classifying this variant: PVS1,PM2,PM3.

Laboratory for Molecular Medicine, Mass General Brigham Personalized Medicine
Classification: Pathogenic for Mitochondrial neurogastrointestinal encephalomyopathy. Last evaluated: 2017-08-29. Review status: criteria provided, single submitter. Criteria: LMM Criteria. Collection method: clinical testing. Allele origin: germline. Inheritance: Autosomal recessive inheritance. Observed: 1 variant allele.
Comment: The c.1160-1G>A (NM_001953.4) variant in TYMP has been reported in 4 homozygous and 1 compound heterozygous individuals with mitochondrial neurogastrointestinal encephalopathy disease (MNGIE) (Nishino 2000 and Kocaefe 2003). This variant ha s also been identified in 1/14978 of European chromosomes by Genome Aggregation Database (gnomAD), though this frequency is lo w enough to be consistent with a recessive carrier frequency. This variant occur s in the invariant region (+/- 1,2) of the splice consensus sequence and is pred icted to cause altered splicing leading to an abnormal or absent protein. Bialle lic loss of function in the TYMP gene is associated with MNGIE. In summary, this variant meets our criteria to be classified as pathogenic for MNGIE in an autos omal recessive manner based on its biallelic occurrence in affected individuals and predicted impact on the protein.

GeneReviews
Classification: Pathogenic for Mitochondrial DNA depletion syndrome 1. Last evaluated: 2016-01-14. Review status: no assertion criteria provided. Collection method: literature only. Allele origin: germline. Affected: yes. Not counted in ClinVar's aggregate classification.

New York Genome Center
Classification: Uncertain significance for Mitochondrial DNA depletion syndrome 1. Last evaluated: 2021-12-17. Review status: flagged submission. Criteria: NYGC Assertion Criteria 2020. Collection method: clinical testing. Allele origin: germline. Observed: 1 variant allele, 1 heterozygote. Study: CSER-NYCKidSeq. Not counted in ClinVar's aggregate classification.
ClinVar note: Reason: Outlier claim with insufficient supporting evidence

Literature cited by the submitters: PubMed 16199547 (cited by Labcorp Genetics (formerly Invitae), Labcorp); PubMed 9924029 (cited by Labcorp Genetics (formerly Invitae), Labcorp); PubMed 15781193 (cited by Labcorp Genetics (formerly Invitae), Labcorp); PubMed 10852545 (cited by 4 submitters); PubMed 12529715 (cited by 3 submitters); PubMed 21503690 (cited by Natera, Inc.); PubMed 30582904 (cited by Natera, Inc.); PubMed 19853446 (cited by Department of Pathophysiology and Transplantation, University of Milan).